The following is an entry in ClinVar:

NM_002547.3(OPHN1):c.597+4del

Gene: OPHN1 (oligophrenin 1; minus strand). Cytogenetic location: Xq12.
Variant type: Deletion.
Coding change: c.597+4del on transcript NM_002547.3 (MANE Select); 4 bases into the intron after coding-DNA position 597, one base deleted (A; older notation c.597+4delA).
Molecular consequence: intron variant.
Genome position (GRCh38, 1-based): chrX:68,213,858, T deleted on the plus strand (A on the coding strand, the reverse complement: OPHN1 is on the minus strand); the first of 2 consecutive T bases (chrX:68,213,858-68,213,859); deleting either gives the same sequence. VCF-style (leftmost placement, unchanged base first): chrX-68213857-CT-C. GRCh37 (hg19) VCF-style: chrX-67433699-CT-C.
Identifiers: ClinVar variation 3384301 (VCV003384301.1).

ClinVar aggregate classification (germline): Uncertain significance (1 of 4 stars; one submission).

Submission:

GeneDx
Classification: Uncertain significance. Last evaluated: 2024-06-07. Review status: criteria provided, single submitter. Criteria: GeneDx Variant Classification Process June 2021. Collection method: clinical testing. Allele origin: germline. Affected: yes.
Comment: Not observed at significant frequency in large population cohorts (gnomAD); In silico analysis supports a deleterious effect on splicing; Has not been previously published as pathogenic or benign to our knowledge